The following is an entry in ClinVar:

NM_000082.4(ERCC8):c.703C>T (p.Gln235Ter)

Gene: ERCC8 (ERCC excision repair 8, CSA ubiquitin ligase complex subunit; minus strand). Cytogenetic location: 5q12.1.
Variant type: single nucleotide variant.
Coding change: c.703C>T on transcript NM_000082.4 (MANE Select); coding-DNA position 703, C replaced by T.
Protein change: p.Gln235Ter; replaces glutamine 235 with a stop codon.
Molecular consequence: nonsense.
Genome position (GRCh38, 1-based): chr5:60,899,642, G>A on the plus strand (C>T on the coding strand, the complement: ERCC8 is on the minus strand). VCF-style: chr5-60899642-G-A. GRCh37 (hg19) VCF-style: chr5-60195469-G-A.
Other names: c.529C>T, p.Gln177Ter (NM_001007233.3); c.244C>T, p.Gln82Ter (NM_001290285.2); short protein forms Q177*, Q235*, Q82*.
Identifiers: ClinVar variation 2755087 (VCV002755087.3), dbSNP rs2531789974, ClinGen allele CA359825614.

ClinVar aggregate classification (germline): Pathogenic (1 of 4 stars; one submission).

Submission:

Labcorp Genetics (formerly Invitae), Labcorp
Classification: Pathogenic. Last evaluated: 2023-08-25. Review status: criteria provided, single submitter. Criteria: Invitae Variant Classification Sherloc (09022015). Collection method: clinical testing. Allele origin: germline.
Comment: For these reasons, this variant has been classified as Pathogenic. This variant has not been reported in the literature in individuals affected with ERCC8-related conditions. This variant is not present in population databases (gnomAD no frequency). This sequence change creates a premature translational stop signal (p.Gln235*) in the ERCC8 gene. It is expected to result in an absent or disrupted protein product. Loss-of-function variants in ERCC8 are known to be pathogenic (PMID: 29572252).

Literature cited by the submitters: PubMed 29572252.